The following is an entry in ClinVar:

NM_020461.4(TUBGCP6):c.5169-3C>A

Gene: TUBGCP6 (tubulin gamma complex component 6; minus strand). Cytogenetic location: 22q13.33.
Variant type: single nucleotide variant.
Coding change: c.5169-3C>A on transcript NM_020461.4 (MANE Select); 3 bases into the intron before coding-DNA position 5169, C replaced by A.
Molecular consequence: intron variant.
Genome position (GRCh38, 1-based): chr22:50,218,120, G>T on the plus strand (C>A on the coding strand, the complement: TUBGCP6 is on the minus strand). VCF-style: chr22-50218120-G-T. GRCh37 (hg19) VCF-style: chr22-50656549-G-T.
Identifiers: ClinVar variation 1353101 (VCV001353101.6), dbSNP rs369527843, ClinGen allele CA640353581.
Genomic context (GRCh38, chr22:50,218,120, plus strand): 5'-GCTGAAGATGCTGTGGATGACGTTCATGACGGGCGCCGCCTTCTCCGTGAGCAGGCCCCT[G>T]GGGGGAAGCAGTGCTGCTGGGTGGGCTGAGCCGTGACCACAGGGACGCAGCCGCTGCCCA-3'

ClinVar aggregate classification (germline): Uncertain significance (1 of 4 stars; one submission).

gnomAD v4.1: 8 of 1,611,830 alleles (0.0005%); highest among the groups gnomAD compares: Non-Finnish European, 0.00059%; no homozygotes.

Submission:

Labcorp Genetics (formerly Invitae), Labcorp
Classification: Uncertain significance. Last evaluated: 2025-04-17. Review status: criteria provided, single submitter. Criteria: Invitae Variant Classification Sherloc (09022015). Collection method: clinical testing. Allele origin: germline.
Comment: This sequence change falls in intron 23 of the TUBGCP6 gene. It does not directly change the encoded amino acid sequence of the TUBGCP6 protein. It affects a nucleotide within the consensus splice site. This variant is present in population databases (no rsID available, gnomAD 0.0009%). This variant has not been reported in the literature in individuals affected with TUBGCP6-related conditions. ClinVar contains an entry for this variant (Variation ID: 1353101). Variants that disrupt the consensus splice site are a relatively common cause of aberrant splicing (PMID: 17576681, 9536098). Algorithms developed to predict the effect of sequence changes on RNA splicing suggest that this variant may disrupt the consensus splice site. In summary, the available evidence is currently insufficient to determine the role of this variant in disease. Therefore, it has been classified as a Variant of Uncertain Significance.

Literature cited by the submitters: PubMed 17576681; PubMed 9536098.